The following is an entry in ClinVar:

ClinVar aggregate classification (germline): Uncertain significance (1 of 4 stars; one submission).

Conditions:
Charcot-Marie-Tooth disease type 2. Also called: Charcot-Marie-Tooth type 2. Identifiers: Orphanet 64746, MedGen C0270914, MONDO:0018993.

gnomAD v4.1: 1 of 1,613,582 alleles (0.000062%); highest among the groups gnomAD compares: Non-Finnish European, 0.000085%; no homozygotes.

Submission:

Labcorp Genetics (formerly Invitae), Labcorp
Classification: Uncertain significance for Charcot-Marie-Tooth disease type 2. Last evaluated: 2025-08-18. Review status: criteria provided, single submitter. Criteria: Invitae Variant Classification Sherloc (09022015). Collection method: clinical testing. Allele origin: germline.
Comment: This sequence change replaces arginine, which is basic and polar, with serine, which is neutral and polar, at codon 624 of the LMNA protein (p.Arg624Ser). This variant is not present in population databases (gnomAD no frequency). This variant has not been reported in the literature in individuals affected with LMNA-related conditions. ClinVar contains an entry for this variant (Variation ID: 3633640). Invitae Evidence Modeling of protein sequence and biophysical properties (such as structural, functional, and spatial information, amino acid conservation, physicochemical variation, residue mobility, and thermodynamic stability) indicates that this missense variant is expected to disrupt LMNA protein function with a positive predictive value of 95%. In summary, the available evidence is currently insufficient to determine the role of this variant in disease. Therefore, it has been classified as a Variant of Uncertain Significance.

NM_170707.4(LMNA):c.1870C>A (p.Arg624Ser)

Gene: LMNA (lamin A/C; plus strand). Cytogenetic location: 1q22.
Variant type: single nucleotide variant.
Coding change: c.1870C>A on transcript NM_170707.4 (MANE Select); coding-DNA position 1870, C replaced by A.
Protein change: p.Arg624Ser; replaces arginine 624 with serine.
Molecular consequence: missense variant. On other transcripts: intron variant (1).
Genome position (GRCh38, 1-based): chr1:156,138,659, C>A. VCF-style: chr1-156138659-C-A. GRCh37 (hg19) VCF-style: chr1-156108450-C-A.
Other names: c.1627C>A, p.Arg543Ser (NM_001406987.1, NM_001406986.1); c.1573C>A, p.Arg525Ser (NM_001406988.1); c.1534C>A, p.Arg512Ser (NM_001406989.1, NM_001257374.3); c.1312C>A, p.Arg438Ser (NM_001406990.1, NM_001406993.1, NM_001406995.1 and 2 more transcripts); c.1870C>A, p.Arg624Ser (NM_001406991.1, NM_001406983.1, NM_001406985.1); c.1246C>A, p.Arg416Ser (NM_001406994.1, NM_001406999.1, NM_001407000.1 and 1 more transcripts); c.1780C>A, p.Arg594Ser (NM_170708.4); c.1818+52C>A (NM_001282626.2); short protein forms R416S, R525S, R543S, R624S, R594S, R512S, R438S.
Identifiers: ClinVar variation 3633640 (VCV003633640.2).